The following is an entry in ClinVar:

ClinVar aggregate classification (germline): Conflicting classifications of pathogenicity. Review status: criteria provided, conflicting classifications (1 of 4 stars). 2 submissions from 2 submitters: Uncertain significance (1); Likely benign (1). Last evaluated 2025-04-07.

Conditions:
Inborn genetic diseases. Identifiers: MedGen C0950123, MeSH D030342.
Amyotrophic lateral sclerosis type 1 (ALS1). Also called: AMYOTROPHIC LATERAL SCLEROSIS 1, FAMILIAL. Identifiers: Orphanet 803, MedGen C1862939, MONDO:0007103, OMIM 105400.
Perry syndrome. Also called: PARKINSONISM WITH ALVEOLAR HYPOVENTILATION AND MENTAL DEPRESSION. Identifiers: Orphanet 178509, MedGen C1868594, MONDO:0008201, OMIM 168605.
Neuronopathy, distal hereditary motor, type 7B. Also called: HMN VIIB; LOWER MOTOR NEURON DISEASE, DYNACTIN TYPE; Distal Hereditary Motor Neuronopathy Type 7B (dHMN7B); NEURONOPATHY, DISTAL HEREDITARY MOTOR, AUTOSOMAL DOMINANT 14; NEURONOPATHY, DISTAL HEREDITARY MOTOR, HARDING TYPE VIIB; NEUROPATHY, DISTAL HEREDITARY MOTOR, HARDING TYPE VIIB. Identifiers: Orphanet 139589, MedGen C1843315, MONDO:0011879, OMIM 607641.

Allele frequency attached by ClinVar (database versions not stated): ExAC 0.00001; gnomAD 0.00001; gnomAD exomes 0.00001; TOPMed 0.00001.

Submissions (2):

Labcorp Genetics (formerly Invitae), Labcorp
Classification: Uncertain significance for Amyotrophic lateral sclerosis type 1; Neuronopathy, distal hereditary motor, type 7B; Perry syndrome. Last evaluated: 2025-04-07. Review status: criteria provided, single submitter. Criteria: Invitae Variant Classification Sherloc (09022015). Collection method: clinical testing. Allele origin: germline.
Comment: This sequence change replaces phenylalanine, which is neutral and non-polar, with leucine, which is neutral and non-polar, at codon 797 of the DCTN1 protein (p.Phe797Leu). This variant is present in population databases (rs772608973, gnomAD 0.02%). This variant has not been reported in the literature in individuals affected with DCTN1-related conditions. ClinVar contains an entry for this variant (Variation ID: 1790531). Invitae Evidence Modeling of protein sequence and biophysical properties (such as structural, functional, and spatial information, amino acid conservation, physicochemical variation, residue mobility, and thermodynamic stability) indicates that this missense variant is not expected to disrupt DCTN1 protein function with a negative predictive value of 95%. In summary, the available evidence is currently insufficient to determine the role of this variant in disease. Therefore, it has been classified as a Variant of Uncertain Significance.

Ambry Genetics
Classification: Likely benign for Inborn genetic diseases. Last evaluated: 2019-10-25. Review status: criteria provided, single submitter. Criteria: Ambry Variant Classification Scheme 2023. Collection method: clinical testing. Allele origin: germline.

NM_004082.5(DCTN1):c.2389T>C (p.Phe797Leu)

Gene: DCTN1 (dynactin subunit 1; minus strand). Cytogenetic location: 2p13.1.
Variant type: single nucleotide variant.
Coding change: c.2389T>C on transcript NM_004082.5 (MANE Select); coding-DNA position 2389, T replaced by C.
Protein change: p.Phe797Leu; replaces phenylalanine 797 with leucine.
Molecular consequence: missense variant. On other transcripts: non-coding transcript variant (1).
Genome position (GRCh38, 1-based): chr2:74,366,860, A>G on the plus strand (T>C on the coding strand, the complement: DCTN1 is on the minus strand). VCF-style: chr2-74366860-A-G. GRCh37 (hg19) VCF-style: chr2-74593987-A-G.
Other names: c.1987T>C, p.Phe663Leu (NM_023019.4, NM_001135041.3); c.2329T>C, p.Phe777Leu (NM_001135040.3); c.2278T>C, p.Phe760Leu (NM_001190836.2); c.2368T>C, p.Phe790Leu (NM_001190837.2); c.2338T>C, p.Phe780Leu (NM_001378991.1); c.2320T>C, p.Phe774Leu (NM_001378992.1); short protein forms F790L, F777L, F780L, F663L, F760L, F774L, F797L.
Identifiers: ClinVar variation 1790531 (VCV001790531.5), dbSNP rs772608973, ClinGen allele CA1721857.